The following is an entry in ClinVar:

NM_198271.5(LMOD3):c.1529A>G (p.Asn510Ser)

Gene: LMOD3 (leiomodin 3; minus strand). Cytogenetic location: 3p14.1.
Variant type: single nucleotide variant.
Coding change: c.1529A>G on transcript NM_198271.5 (MANE Select); coding-DNA position 1529, A replaced by G.
Protein change: p.Asn510Ser; replaces asparagine 510 with serine.
Molecular consequence: missense variant.
Genome position (GRCh38, 1-based): chr3:69,118,826, T>C on the plus strand (A>G on the coding strand, the complement: LMOD3 is on the minus strand). VCF-style: chr3-69118826-T-C. GRCh37 (hg19) VCF-style: chr3-69167977-T-C.
Other names: c.1529A>G, p.Asn510Ser (NM_001304418.3); short protein forms N510S.
Identifiers: ClinVar variation 2195594 (VCV002195594.2), dbSNP rs538402410, ClinGen allele CA2488748.

ClinVar aggregate classification (germline): Uncertain significance (1 of 4 stars; one submission).

Conditions:
Nemaline myopathy 10 (NEM10). Identifiers: MedGen C4015360, MONDO:0014513, OMIM 616165.

Allele frequency attached by ClinVar (database versions not stated): TOPMed 0.00002.
gnomAD v4.1: 27 of 1,610,068 alleles (0.0017%); highest among the groups gnomAD compares: Middle Eastern, 0.016%; no homozygotes.

Submission:

Labcorp Genetics (formerly Invitae), Labcorp
Classification: Uncertain significance for Nemaline myopathy 10. Last evaluated: 2025-01-27. Review status: criteria provided, single submitter. Criteria: Invitae Variant Classification Sherloc (09022015). Collection method: clinical testing. Allele origin: germline.
Comment: This sequence change replaces asparagine, which is neutral and polar, with serine, which is neutral and polar, at codon 510 of the LMOD3 protein (p.Asn510Ser). This variant is present in population databases (rs538402410, gnomAD 0.009%). This variant has not been reported in the literature in individuals affected with LMOD3-related conditions. ClinVar contains an entry for this variant (Variation ID: 2195594). An algorithm developed to predict the effect of missense changes on protein structure and function (PolyPhen-2) suggests that this variant is likely to be disruptive. In summary, the available evidence is currently insufficient to determine the role of this variant in disease. Therefore, it has been classified as a Variant of Uncertain Significance.